The following is an entry in ClinVar:

NM_014981.3(MYH15):c.363G>A (p.Val121=)

Gene: MYH15 (myosin heavy chain 15; minus strand). Cytogenetic location: 3q13.13.
Variant type: single nucleotide variant.
Coding change: c.363G>A on transcript NM_014981.3 (MANE Select); coding-DNA position 363, G replaced by A.
Protein change: p.Val121=; no amino-acid change (valine 121 retained).
Molecular consequence: synonymous variant.
Genome position (GRCh38, 1-based): chr3:108,500,251, C>T on the plus strand (G>A on the coding strand, the complement: MYH15 is on the minus strand). VCF-style: chr3-108500251-C-T. GRCh37 (hg19) VCF-style: chr3-108219098-C-T.
Identifiers: ClinVar variation 3771459 (VCV003771459.13).

ClinVar aggregate classification (germline): Likely benign (1 of 4 stars; one submission).

gnomAD v4.1: 63 of 1,613,584 alleles (0.0039%); highest among the groups gnomAD compares: Non-Finnish European, 0.0053%; no homozygotes.

Submission:

CeGaT Center for Human Genetics Tuebingen
Classification: Likely benign. Last evaluated: 2025-02-01. Review status: criteria provided, single submitter. Criteria: CeGaT Center For Human Genetics Tuebingen Variant Classification Criteria Version 2. Collection method: clinical testing. Allele origin: germline. Affected: yes. Observed: 1 variant allele.
Comment: MYH15: BP4, BP7